The following is an entry in ClinVar:

NM_001039591.3(USP9X):c.2270A>G (p.Lys757Arg)

Gene: USP9X (ubiquitin specific peptidase 9 X-linked; plus strand). Cytogenetic location: Xp11.4.
Variant type: single nucleotide variant.
Coding change: c.2270A>G on transcript NM_001039591.3 (MANE Select); coding-DNA position 2270, A replaced by G.
Protein change: p.Lys757Arg; replaces lysine 757 with arginine.
Molecular consequence: missense variant.
Genome position (GRCh38, 1-based): chrX:41,166,156, A>G. VCF-style: chrX-41166156-A-G. GRCh37 (hg19) VCF-style: chrX-41025409-A-G.
Other names: c.2270A>G, p.Lys757Arg (NM_001039590.3); c.2285A>G, p.Lys762Arg (NM_001410748.1, NM_001410749.1); short protein forms K762R, K757R.
Identifiers: ClinVar variation 3331677 (VCV003331677.2).

ClinVar aggregate classification (germline): Uncertain significance. Review status: criteria provided, multiple submitters, no conflicts (2 of 4 stars). 2 submissions from 2 submitters: Uncertain significance (2). Last evaluated 2025-06-10.

Conditions:
USP9X-related disorder. Also called: USP9X-related condition.
Inborn genetic diseases. Identifiers: MedGen C0950123, MeSH D030342.

Submissions (2):

PreventionGenetics, part of Exact Sciences
Classification: Uncertain significance for USP9X-related condition. Last evaluated: 2025-06-10. Review status: criteria provided, single submitter. Criteria: ACMG Guidelines, 2015. Collection method: clinical testing. Allele origin: germline.
Comment: The USP9X c.2270A>G variant is predicted to result in the amino acid substitution p.Lys757Arg. To our knowledge, this variant has not been reported in the literature or in a large population database (gnomAD), indicating this variant is rare. At this time, the clinical significance of this variant is uncertain due to the absence of conclusive functional and genetic evidence.

Ambry Genetics
Classification: Uncertain significance for Inborn genetic diseases. Last evaluated: 2024-05-13. Review status: criteria provided, single submitter. Criteria: Ambry Variant Classification Scheme 2023. Collection method: clinical testing. Allele origin: germline.